The following is an entry in ClinVar:

ClinVar aggregate classification (germline): Benign. Review status: criteria provided, multiple submitters, no conflicts (2 of 4 stars). 5 submissions from 5 submitters: Benign (5). Last evaluated 2026-01-26.

Conditions:
Retinitis pigmentosa (RP). Identifiers: Orphanet 791, MedGen C0035334, MeSH D012174, MONDO:0019200, OMIM 268000. Inheritance: Autosomal dominant, autosomal recessive and X linked inheritance.

Allele frequency attached by ClinVar (database versions not stated): 1000 Genomes Project 0.00499; 1000 Genomes Project 30x 0.00500; gnomAD 0.00593; TOPMed 0.00655; ExAC 0.00676; gnomAD exomes 0.00678; ESP Exome Variant Server 0.00846.
gnomAD v4.1: 12,516 of 1,614,092 alleles (0.78%); highest among the groups gnomAD compares: Non-Finnish European, 0.86%; 69 homozygotes.

Submissions (5):

Labcorp Genetics (formerly Invitae), Labcorp
Classification: Benign. Last evaluated: 2026-01-26. Review status: criteria provided, single submitter. Criteria: Invitae Variant Classification Sherloc (09022015). Collection method: clinical testing. Allele origin: germline.

CeGaT Center for Human Genetics Tuebingen
Classification: Benign. Last evaluated: 2025-07-01. Review status: criteria provided, single submitter. Criteria: CeGaT Center For Human Genetics Tuebingen Variant Classification Criteria Version 2. Collection method: clinical testing. Allele origin: germline. Affected: yes. Observed: 10 variant alleles.
Comment: SNRNP200: BS1, BS2

Illumina Laboratory Services, Illumina
Classification: Benign for Retinitis pigmentosa. Last evaluated: 2018-01-13. Review status: criteria provided, single submitter. Criteria: ICSL Variant Classification Criteria 13 December 2019. Collection method: clinical testing. Allele origin: germline.
Comment: This variant was observed in the ICSL laboratory as part of a predisposition screen in an ostensibly healthy population. It had not been previously curated by ICSL or reported in the Human Gene Mutation Database (HGMD: prior to June 1st, 2018), and was therefore a candidate for classification through an automated scoring system. Utilizing variant allele frequency, disease prevalence and penetrance estimates, and inheritance mode, an automated score was calculated to assess if this variant is too frequent to cause the disease. Based on the score and internal cut-off values, a variant classified as benign is not then subjected to further curation. The score for this variant resulted in a classification of benign for this disease.

Eurofins Ntd Llc (ga)
Classification: Benign. Last evaluated: 2016-10-26. Review status: criteria provided, single submitter. Criteria: EGL Classification Definitions 2015. Collection method: clinical testing. Allele origin: germline. Observed: 1 variant allele, 1 heterozygote.

Breakthrough Genomics
Classification: Benign. Review status: criteria provided, single submitter. Criteria: ACMG Guidelines, 2015. Collection method: not provided. Allele origin: germline. Inheritance: Unknown mechanism. Affected: yes.

NM_014014.5(SNRNP200):c.5933G>C (p.Gly1978Ala)

Gene: SNRNP200 (small nuclear ribonucleoprotein U5 subunit 200; minus strand). Cytogenetic location: 2q11.2.
Variant type: single nucleotide variant.
Coding change: c.5933G>C on transcript NM_014014.5 (MANE Select); coding-DNA position 5933, G replaced by C.
Protein change: p.Gly1978Ala; replaces glycine 1978 with alanine.
Molecular consequence: missense variant.
Genome position (GRCh38, 1-based): chr2:96,277,240, C>G on the plus strand (G>C on the coding strand, the complement: SNRNP200 is on the minus strand). VCF-style: chr2-96277240-C-G. GRCh37 (hg19) VCF-style: chr2-96942978-C-G.
Other names: short protein forms G1978A.
Identifiers: ClinVar variation 337530 (VCV000337530.46), dbSNP rs75956769, ClinGen allele CA1777853.